The following is an entry in ClinVar:

NM_001457.4(FLNB):c.4439_4440dup (p.Val1481fs)

Gene: FLNB (filamin B; plus strand). Cytogenetic location: 3p14.3.
Variant type: Microsatellite.
Coding change: c.4439_4440dup on transcript NM_001457.4 (MANE Select); coding-DNA positions 4439 to 4440, 2 bases duplicated (CA; older notation c.4439_4440dupCA).
Protein change: p.Val1481fs; shifts the reading frame from valine 1481.
Molecular consequence: frameshift variant.
Genome position (GRCh38, 1-based): chr3:58,132,856-58,132,857, CA duplicated; duplicating any 2 consecutive bases within chr3:58,132,848-58,132,857 gives the same sequence; the c. name uses the placement nearest the transcript's 3' end. VCF-style (leftmost placement, unchanged base first): chr3-58132847-G-GCA. GRCh37 (hg19) VCF-style: chr3-58118574-G-GCA.
Other names: c.4532_4533dup, p.Val1512fs (NM_001164317.2); c.4439_4440dup, p.Val1481fs (NM_001164318.2, NM_001164319.2); short protein forms V1481fs, V1512fs.
Identifiers: ClinVar variation 1414987 (VCV001414987.6), dbSNP rs2107212252, ClinGen allele CA2580616492.

ClinVar aggregate classification (germline): Pathogenic (1 of 4 stars; one submission).

Submission:

Labcorp Genetics (formerly Invitae), Labcorp
Classification: Pathogenic. Last evaluated: 2024-08-12. Review status: criteria provided, single submitter. Criteria: Invitae Variant Classification Sherloc (09022015). Collection method: clinical testing. Allele origin: germline.
Comment: This sequence change creates a premature translational stop signal (p.Val1481Glnfs*2) in the FLNB gene. It is expected to result in an absent or disrupted protein product. Loss-of-function variants in FLNB are known to be pathogenic (PMID: 14991055). This variant is not present in population databases (gnomAD no frequency). This variant has not been reported in the literature in individuals affected with FLNB-related conditions. For these reasons, this variant has been classified as Pathogenic.

Literature cited by the submitters: PubMed 14991055.